The following is an entry in ClinVar:

NM_183050.4(BCKDHB):c.168C>T (p.Phe56=)

Gene: BCKDHB (branched chain keto acid dehydrogenase E1 subunit beta; plus strand). Cytogenetic location: 6q14.1.
Variant type: single nucleotide variant.
Coding change: c.168C>T on transcript NM_183050.4 (MANE Select); coding-DNA position 168, C replaced by T.
Protein change: p.Phe56=; no amino-acid change (phenylalanine 56 retained).
Molecular consequence: synonymous variant. On other transcripts: non-coding transcript variant (1), intron variant (1).
Genome position (GRCh38, 1-based): chr6:80,106,861, C>T. VCF-style: chr6-80106861-C-T. GRCh37 (hg19) VCF-style: chr6-80816578-C-T.
Other names: c.168C>T, p.Phe56= (NM_000056.5); c.-15+178C>T (NM_001318975.1); c.168C>T (NM_183050.3).
Identifiers: ClinVar variation 712903 (VCV000712903.29), dbSNP rs747705382, ClinGen allele CA3902511.
Genomic context (GRCh38, chr6:80,106,861, plus strand): 5'-GCACCCCGCCGCGACTGTCGAGGATGCGGCCCAGAGGCGGCAGGTGGCTCATTTTACTTT[C>T]CAGCCAGATCCGGAGCCCCGGGAGTACGGTGAGCCCTGGGACTGCCCACTCGGTCCCGCT-3'
Protein context (NP_898871.1, residues 46-66): AQRRQVAHFT[Phe56=]QPDPEPREYG

ClinVar aggregate classification (germline): Likely benign. Review status: criteria provided, multiple submitters, no conflicts (2 of 4 stars). 3 submissions from 3 submitters: Likely benign (3). Last evaluated 2026-01-09.

Conditions:
Maple syrup urine disease (MSUD). Identifiers: Orphanet 511, MedGen C0024776, MeSH D008375, MONDO:0009563. Disease mechanism: loss of function.
BCKDHB-related disorder. Also called: BCKDHB-related condition.

Allele frequency attached by ClinVar (database versions not stated): TOPMed 0.00009; gnomAD 0.00013.
gnomAD v4.1: 31 of 1,609,314 alleles (0.0019%); highest among the groups gnomAD compares: African/African-American, 0.039%; no homozygotes.

Submissions (3):

Labcorp Genetics (formerly Invitae), Labcorp
Classification: Likely benign for Maple syrup urine disease. Last evaluated: 2026-01-09. Review status: criteria provided, single submitter. Criteria: Invitae Variant Classification Sherloc (09022015). Collection method: clinical testing. Allele origin: germline.

PreventionGenetics, part of Exact Sciences
Classification: Likely benign for BCKDHB-related condition. Last evaluated: 2026-01-02. Review status: criteria provided, single submitter. Criteria: ACMG Guidelines, 2015. Collection method: clinical testing. Allele origin: germline.
Comment: This variant is classified as likely benign based on ACMG/AMP sequence variant interpretation guidelines (Richards et al. 2015 PMID: 25741868, with internal and published modifications).

CeGaT Center for Human Genetics Tuebingen
Classification: Likely benign. Last evaluated: 2024-06-01. Review status: criteria provided, single submitter. Criteria: CeGaT Center For Human Genetics Tuebingen Variant Classification Criteria Version 2. Collection method: clinical testing. Allele origin: germline. Affected: yes. Observed: 1 variant allele.
Comment: BCKDHB: BP4, BP7